The following is an entry in ClinVar:

NM_019109.5(ALG1):c.1263+9G>A

Gene: ALG1 (ALG1 chitobiosyldiphosphodolichol beta-mannosyltransferase; plus strand). Cytogenetic location: 16p13.3.
Variant type: single nucleotide variant.
Coding change: c.1263+9G>A on transcript NM_019109.5 (MANE Select); 9 bases into the intron after coding-DNA position 1263, G replaced by A.
Molecular consequence: intron variant.
Genome position (GRCh38, 1-based): chr16:5,083,766, G>A. VCF-style: chr16-5083766-G-A. GRCh37 (hg19) VCF-style: chr16-5133767-G-A.
Other names: c.1263+9G>A (NM_019109.4); c.930+9G>A (NM_001330504.2).
Identifiers: ClinVar variation 2918234 (VCV002918234.5), dbSNP rs755109435, ClinGen allele CA7890296.

ClinVar aggregate classification (germline): Likely benign. Review status: criteria provided, single submitter (1 of 4 stars). 2 submissions from 2 submitters: Likely benign (1). 1 of the submissions does not count toward it. Last evaluated 2024-10-16.

Conditions:
ALG1-related disorder. Also called: ALG1-related condition.
ALG1-congenital disorder of glycosylation. Also called: CDG Ik; ALG1-CDG; CONGENITAL DISORDER OF GLYCOSYLATION, TYPE Ik. Identifiers: Orphanet 79327, MedGen C2931005, MONDO:0012052, OMIM 608540.

Allele frequency attached by ClinVar (database versions not stated): TOPMed below 0.00001; ExAC 0.00001.
gnomAD v4.1: 17 of 1,597,604 alleles (0.0011%); highest among the groups gnomAD compares: Admixed American, 0.0067%; no homozygotes.

Submissions (2):

Labcorp Genetics (formerly Invitae), Labcorp
Classification: Likely benign for ALG1-congenital disorder of glycosylation. Last evaluated: 2024-10-16. Review status: criteria provided, single submitter. Criteria: Invitae Variant Classification Sherloc (09022015). Collection method: clinical testing. Allele origin: germline.

PreventionGenetics, part of Exact Sciences
Classification: Likely benign for ALG1-related condition. Last evaluated: 2021-04-22. Review status: no assertion criteria provided. Collection method: clinical testing. Allele origin: germline. Not counted in ClinVar's aggregate classification.
Comment: This variant is classified as likely benign based on ACMG/AMP sequence variant interpretation guidelines (Richards et al. 2015 PMID: 25741868, with internal and published modifications).